The following is an entry in ClinVar:

NM_001384474.1(LOXHD1):c.2737G>T (p.Glu913Ter)

Gene: LOXHD1 (lipoxygenase homology PLAT domains 1; minus strand). Cytogenetic location: 18q21.1.
Variant type: single nucleotide variant.
Coding change: c.2737G>T on transcript NM_001384474.1 (MANE Select); coding-DNA position 2737, G replaced by T.
Protein change: p.Glu913Ter; replaces glutamic acid 913 with a stop codon.
Molecular consequence: nonsense.
Genome position (GRCh38, 1-based): chr18:46,560,407, C>A on the plus strand (G>T on the coding strand, the complement: LOXHD1 is on the minus strand). VCF-style: chr18-46560407-C-A. GRCh37 (hg19) VCF-style: chr18-44140370-C-A.
Other names: c.2737G>T, p.Glu913Ter (NM_144612.7); short protein forms E913*.
Identifiers: ClinVar variation 2058344 (VCV002058344.4), dbSNP rs2511832478, ClinGen allele CA402371463.

ClinVar aggregate classification (germline): Pathogenic (1 of 4 stars; one submission).

gnomAD v4.1: 6 of 1,549,718 alleles (0.00039%); highest among the groups gnomAD compares: Non-Finnish European, 0.00052%; no homozygotes.

Submission:

Labcorp Genetics (formerly Invitae), Labcorp
Classification: Pathogenic. Last evaluated: 2022-10-27. Review status: criteria provided, single submitter. Criteria: Invitae Variant Classification Sherloc (09022015). Collection method: clinical testing. Allele origin: germline.
Comment: For these reasons, this variant has been classified as Pathogenic. This variant has not been reported in the literature in individuals affected with LOXHD1-related conditions. This variant is not present in population databases (gnomAD no frequency). This sequence change creates a premature translational stop signal (p.Glu913*) in the LOXHD1 gene. It is expected to result in an absent or disrupted protein product. Loss-of-function variants in LOXHD1 are known to be pathogenic (PMID: 19732867, 21465660, 25792669).

Literature cited by the submitters: PubMed 19732867; PubMed 21465660; PubMed 25792669.